The following is an entry in ClinVar:

NM_000204.5(CFI):c.844G>A (p.Val282Met)

Gene: CFI (complement factor I; minus strand). Cytogenetic location: 4q25.
Variant type: single nucleotide variant.
Coding change: c.844G>A on transcript NM_000204.5 (MANE Select); coding-DNA position 844, G replaced by A.
Protein change: p.Val282Met; replaces valine 282 with methionine.
Molecular consequence: missense variant. On other transcripts: non-coding transcript variant (3).
Genome position (GRCh38, 1-based): chr4:109,760,309, C>T on the plus strand (G>A on the coding strand, the complement: CFI is on the minus strand). VCF-style: chr4-109760309-C-T. GRCh37 (hg19) VCF-style: chr4-110681465-C-T.
Other names: c.844G>A, p.Val282Met (NM_001318057.2, NM_001331035.2, NM_001375278.1 and 10 more transcripts); c.235G>A, p.Val79Met (NM_001375284.1); short protein forms V282M, V79M.
Identifiers: ClinVar variation 4770488 (VCV004770488.1).

ClinVar aggregate classification (germline): Uncertain significance (1 of 4 stars; one submission).

gnomAD v4.1: 3 of 1,614,152 alleles (0.00019%); highest among the groups gnomAD compares: Admixed American, 0.005%; no homozygotes.

Submission:

Labcorp Genetics (formerly Invitae), Labcorp
Classification: Uncertain significance. Last evaluated: 2025-09-28. Review status: criteria provided, single submitter. Criteria: Invitae Variant Classification Sherloc (09022015). Collection method: clinical testing. Allele origin: germline.
Comment: This sequence change replaces valine, which is neutral and non-polar, with methionine, which is neutral and non-polar, at codon 282 of the CFI protein (p.Val282Met). This variant is not present in population databases (gnomAD no frequency). This variant has not been reported in the literature in individuals affected with CFI-related conditions. Invitae Evidence Modeling of protein sequence and biophysical properties (such as structural, functional, and spatial information, amino acid conservation, physicochemical variation, residue mobility, and thermodynamic stability) indicates that this missense variant is not expected to disrupt CFI protein function with a negative predictive value of 80%. In summary, the available evidence is currently insufficient to determine the role of this variant in disease. Therefore, it has been classified as a Variant of Uncertain Significance.